The following is an entry in ClinVar:

NM_002386.4(MC1R):c.787C>T (p.Leu263Phe)

Gene: MC1R (melanocortin 1 receptor; plus strand). Cytogenetic location: 16q24.3.
Variant type: single nucleotide variant.
Coding change: c.787C>T on transcript NM_002386.4 (MANE Select); coding-DNA position 787, C replaced by T.
Protein change: p.Leu263Phe; replaces leucine 263 with phenylalanine.
Molecular consequence: missense variant.
Genome position (GRCh38, 1-based): chr16:89,920,045, C>T. VCF-style: chr16-89920045-C-T. GRCh37 (hg19) VCF-style: chr16-89986453-C-T.
Other names: short protein forms L263F.
Identifiers: ClinVar variation 1407210 (VCV001407210.8), dbSNP rs370073863, ClinGen allele CA8255745.

ClinVar aggregate classification (germline): Uncertain significance (1 of 4 stars; one submission).

Conditions:
Melanoma, cutaneous malignant, susceptibility to, 5. Also called: Cutaneous malignant melanoma 5. Identifiers: Orphanet 618, MedGen C2751295, MONDO:0013133, OMIM 613099.

Allele frequency attached by ClinVar (database versions not stated): gnomAD exomes 0.00001; ExAC 0.00002; TOPMed 0.00003; gnomAD 0.00005; ESP Exome Variant Server 0.00008; 1000 Genomes Project 0.00020; 1000 Genomes Project 30x 0.00031.

Submission:

Labcorp Genetics (formerly Invitae), Labcorp
Classification: Uncertain significance for Melanoma, cutaneous malignant, susceptibility to, 5. Last evaluated: 2022-12-03. Review status: criteria provided, single submitter. Criteria: Invitae Variant Classification Sherloc (09022015). Collection method: clinical testing. Allele origin: germline.
Comment: Advanced modeling of protein sequence and biophysical properties (such as structural, functional, and spatial information, amino acid conservation, physicochemical variation, residue mobility, and thermodynamic stability) performed at Invitae indicates that this missense variant is not expected to disrupt MC1R protein function. ClinVar contains an entry for this variant (Variation ID: 1407210). In summary, the available evidence is currently insufficient to determine the role of this variant in disease. Therefore, it has been classified as a Variant of Uncertain Significance. This variant has not been reported in the literature in individuals affected with MC1R-related conditions. This variant is present in population databases (rs370073863, gnomAD 0.02%). This sequence change replaces leucine, which is neutral and non-polar, with phenylalanine, which is neutral and non-polar, at codon 263 of the MC1R protein (p.Leu263Phe).